The following is an entry in ClinVar:

NM_001130009.3(GEN1):c.1490G>A (p.Cys497Tyr)

Gene: GEN1 (GEN1 structure-specific endonuclease; plus strand). Cytogenetic location: 2p24.2.
Variant type: single nucleotide variant.
Coding change: c.1490G>A on transcript NM_001130009.3 (MANE Select); coding-DNA position 1490, G replaced by A.
Protein change: p.Cys497Tyr; replaces cysteine 497 with tyrosine.
Molecular consequence: missense variant.
Genome position (GRCh38, 1-based): chr2:17,780,702, G>A. VCF-style: chr2-17780702-G-A. GRCh37 (hg19) VCF-style: chr2-17961969-G-A.
Other names: c.1490G>A (NM_001130009.1); c.1490G>A, p.Cys497Tyr (NM_182625.5); short protein forms C497Y.
Identifiers: ClinVar variation 1347699 (VCV001347699.7), dbSNP rs762838485, ClinGen allele CA1540778.

ClinVar aggregate classification (germline): Uncertain significance. Review status: criteria provided, multiple submitters, no conflicts (2 of 4 stars). 2 submissions from 2 submitters: Uncertain significance (2). Last evaluated 2025-03-08.

Allele frequency attached by ClinVar (database versions not stated): ExAC 0.00001; gnomAD 0.00001; gnomAD exomes 0.00001 and 0.00005; TOPMed 0.00003.
gnomAD v4.1: 73 of 1,613,792 alleles (0.0045%); highest among the groups gnomAD compares: Non-Finnish European, 0.0057%; no homozygotes.

Submissions (2):

Ambry Genetics
Classification: Uncertain significance. Last evaluated: 2025-03-08. Review status: criteria provided, single submitter. Criteria: Ambry Variant Classification Scheme 2023. Collection method: clinical testing. Allele origin: germline.
Comment: The p.C497Y variant (also known as c.1490G>A), located in coding exon 13 of the GEN1 gene, results from a G to A substitution at nucleotide position 1490. The cysteine at codon 497 is replaced by tyrosine, an amino acid with highly dissimilar properties. This amino acid position is conserved. In addition, this alteration is predicted to be tolerated by in silico analysis. Based on the available evidence, the clinical significance of this variant remains unclear.

Labcorp Genetics (formerly Invitae), Labcorp
Classification: Uncertain significance. Last evaluated: 2024-08-06. Review status: criteria provided, single submitter. Criteria: Invitae Variant Classification Sherloc (09022015). Collection method: clinical testing. Allele origin: germline.
Comment: This sequence change replaces cysteine, which is neutral and slightly polar, with tyrosine, which is neutral and polar, at codon 497 of the GEN1 protein (p.Cys497Tyr). This variant is present in population databases (rs762838485, gnomAD 0.009%). This variant has not been reported in the literature in individuals affected with GEN1-related conditions. ClinVar contains an entry for this variant (Variation ID: 1347699). An algorithm developed to predict the effect of missense changes on protein structure and function (PolyPhen-2) suggests that this variant is likely to be tolerated. In summary, the available evidence is currently insufficient to determine the role of this variant in disease. Therefore, it has been classified as a Variant of Uncertain Significance.